The following is an entry in ClinVar:

NM_000535.7(PMS2):c.276T>G (p.Ile92Met)

Gene: PMS2 (PMS1 homolog 2, mismatch repair system component; minus strand). Cytogenetic location: 7p22.1.
Variant type: single nucleotide variant.
Coding change: c.276T>G on transcript NM_000535.7 (MANE Select); coding-DNA position 276, T replaced by G.
Protein change: p.Ile92Met; replaces isoleucine 92 with methionine.
Molecular consequence: missense variant. On other transcripts: 5 prime UTR variant (35), non-coding transcript variant (1), intron variant (11).
Genome position (GRCh38, 1-based): chr7:6,003,767, A>C on the plus strand (T>G on the coding strand, the complement: PMS2 is on the minus strand). VCF-style: chr7-6003767-A-C. GRCh37 (hg19) VCF-style: chr7-6043398-A-C.
Other names: c.-130T>G (NM_001018040.1, NM_001322003.2, NM_001322004.2 and 14 more transcripts); c.276T>G, p.Ile92Met (NM_001322006.2, NM_001322014.2, NM_001406869.1 and 8 more transcripts); c.-609T>G (NM_001322011.2, NM_001322012.2); c.-209T>G (NM_001322015.2, NM_001406875.1, NM_001406877.1 and 3 more transcripts); c.462T>G, p.Ile154Met (NM_001406866.1); c.300T>G, p.Ile100Met (NM_001406868.1); c.-156T>G (NM_001406880.1); c.-77T>G (NM_001406888.1, NM_001406889.1, NM_001406892.1 and 6 more transcripts); and 5 more; short protein forms I92M, I100M, I154M.
Identifiers: ClinVar variation 2813505 (VCV002813505.3), dbSNP rs2128827393, ClinGen allele CA366744679.

ClinVar aggregate classification (germline): Uncertain significance (1 of 4 stars; one submission).

Conditions:
Hereditary nonpolyposis colorectal neoplasms. Identifiers: MedGen C0009405, MeSH D003123.

Submission:

Labcorp Genetics (formerly Invitae), Labcorp
Classification: Uncertain significance for Hereditary nonpolyposis colorectal neoplasms. Last evaluated: 2022-11-10. Review status: criteria provided, single submitter. Criteria: Invitae Variant Classification Sherloc (09022015). Collection method: clinical testing. Allele origin: germline.
Comment: In summary, the available evidence is currently insufficient to determine the role of this variant in disease. Therefore, it has been classified as a Variant of Uncertain Significance. Advanced modeling of protein sequence and biophysical properties (such as structural, functional, and spatial information, amino acid conservation, physicochemical variation, residue mobility, and thermodynamic stability) performed at Invitae indicates that this missense variant is expected to disrupt PMS2 protein function. This variant has not been reported in the literature in individuals affected with PMS2-related conditions. This variant is not present in population databases (gnomAD no frequency). This sequence change replaces isoleucine, which is neutral and non-polar, with methionine, which is neutral and non-polar, at codon 92 of the PMS2 protein (p.Ile92Met).